The following is an entry in ClinVar:

ClinVar aggregate classification (germline): Uncertain significance. Review status: criteria provided, multiple submitters, no conflicts (2 of 4 stars). 2 submissions from 2 submitters: Uncertain significance (2). Last evaluated 2021-11-16.

Conditions:
Hereditary cancer-predisposing syndrome. Also called: Hereditary neoplastic syndrome; Tumor predisposition; Hereditary Cancer Syndrome; Neoplastic Syndromes, Hereditary. Identifiers: Orphanet 140162, MedGen C0027672, MeSH D009386, MONDO:0015356.
Microcephaly, normal intelligence and immunodeficiency (NBS). Also called: BERLIN BREAKAGE SYNDROME; SEEMANOVA SYNDROME II; Ataxia telangiectasia variant V1; IMMUNODEFICIENCY, MICROCEPHALY, AND CHROMOSOMAL INSTABILITY; Immunodeficiency, microcephaly with normal intelligence; Nijmegen breakage syndrome. Identifiers: Orphanet 647, MedGen C0398791, MONDO:0009623, OMIM 251260.

Submissions (2):

Ambry Genetics
Classification: Uncertain significance for Hereditary cancer-predisposing syndrome. Last evaluated: 2021-11-16. Review status: criteria provided, single submitter. Criteria: Ambry Variant Classification Scheme 2023. Collection method: clinical testing. Allele origin: germline.
Comment: The p.S117P variant (also known as c.349T>C), located in coding exon 4 of the NBN gene, results from a T to C substitution at nucleotide position 349. The serine at codon 117 is replaced by proline, an amino acid with similar properties. This amino acid position is conserved. In addition, this alteration is predicted to be tolerated by in silico analysis. Since supporting evidence is limited at this time, the clinical significance of this alteration remains unclear.

Labcorp Genetics (formerly Invitae), Labcorp
Classification: Uncertain significance for Microcephaly, normal intelligence and immunodeficiency. Last evaluated: 2021-01-12. Review status: criteria provided, single submitter. Criteria: Invitae Variant Classification Sherloc (09022015). Collection method: clinical testing. Allele origin: germline.
Comment: Algorithms developed to predict the effect of missense changes on protein structure and function output the following: SIFT: "Tolerated"; PolyPhen-2: "Benign"; Align-GVGD: "Class C0". The proline amino acid residue is found in multiple mammalian species, suggesting that this missense change does not adversely affect protein function. These predictions have not been confirmed by published functional studies and their clinical significance is uncertain. In summary, the available evidence is currently insufficient to determine the role of this variant in disease. Therefore, it has been classified as a Variant of Uncertain Significance. This variant has not been reported in the literature in individuals with NBN-related disease. This variant is not present in population databases (ExAC no frequency). This sequence change replaces serine with proline at codon 117 of the NBN protein (p.Ser117Pro). The serine residue is highly conserved and there is a moderate physicochemical difference between serine and proline.

NM_002485.5(NBN):c.349T>C (p.Ser117Pro)

Gene: NBN (nibrin; minus strand). Cytogenetic location: 8q21.3.
Variant type: single nucleotide variant.
Coding change: c.349T>C on transcript NM_002485.5 (MANE Select); coding-DNA position 349, T replaced by C.
Protein change: p.Ser117Pro; replaces serine 117 with proline.
Molecular consequence: missense variant.
Genome position (GRCh38, 1-based): chr8:89,980,865, A>G on the plus strand (T>C on the coding strand, the complement: NBN is on the minus strand). VCF-style: chr8-89980865-A-G. GRCh37 (hg19) VCF-style: chr8-90993093-A-G.
Other names: c.103T>C, p.Ser35Pro (NM_001024688.3); short protein forms S117P, S35P.
Identifiers: ClinVar variation 575065 (VCV000575065.11), dbSNP rs1563579445, ClinGen allele CA371662108.